The following is an entry in ClinVar:

NM_000435.3(NOTCH3):c.1375G>A (p.Ala459Thr)

Gene: NOTCH3 (notch receptor 3; minus strand). Cytogenetic location: 19p13.12.
Variant type: single nucleotide variant.
Coding change: c.1375G>A on transcript NM_000435.3 (MANE Select); coding-DNA position 1375, G replaced by A.
Protein change: p.Ala459Thr; replaces alanine 459 with threonine.
Molecular consequence: missense variant.
Genome position (GRCh38, 1-based): chr19:15,188,992, C>T on the plus strand (G>A on the coding strand, the complement: NOTCH3 is on the minus strand). VCF-style: chr19-15188992-C-T. GRCh37 (hg19) VCF-style: chr19-15299803-C-T.
Other names: p.Ala459Thr; short protein forms A459T.
Identifiers: ClinVar variation 888661 (VCV000888661.6), dbSNP rs370186772, ClinGen allele CA305775760.
Genomic context (GRCh38, chr19:15,188,992, plus strand): 5'-GCTTCTCTGTCCCCGCCCCCTGCCTCAGGACCCGCCCAGGCCACGCCCACCACCCACCTG[C>T]CATACAGATACAGGTGAACTGGCCTATGCGGTCGAGGCACGTGGCCTGGTTTCGGCAGGG-3'
Protein context (NP_000426.2, residues 449-469): RIGQFTCICM[Ala459Thr]GFTGTYCEVD

ClinVar aggregate classification (germline): Conflicting classifications of pathogenicity. Review status: criteria provided, conflicting classifications (1 of 4 stars). 3 submissions from 3 submitters: Uncertain significance (2); Likely benign (1). Last evaluated 2025-07-08.

Conditions:
Cerebral arteriopathy, autosomal dominant, with subcortical infarcts and leukoencephalopathy, type 1 (CADASIL1). Also called: DEMENTIA, HEREDITARY MULTIINFARCT TYPE; CADASIL 1; CASIL; Cerebral arteriopathy with subcortical infarcts and leukoencephalopathy 1. Identifiers: Orphanet 136, MedGen C4551768, MONDO:0000914, OMIM 125310.

Allele frequency attached by ClinVar (database versions not stated): gnomAD 0.00002 and 0.00003; TOPMed 0.00004; gnomAD exomes 0.00001 and 0.00005; ESP Exome Variant Server 0.00008.
gnomAD v4.1: 69 of 1,609,814 alleles (0.0043%); highest among the groups gnomAD compares: Non-Finnish European, 0.0055%; no homozygotes.

Submissions (3):

Mayo Clinic Laboratories, Mayo Clinic
Classification: Likely benign. Last evaluated: 2025-07-08. Review status: criteria provided, single submitter. Criteria: ACMG Guidelines, 2015. Collection method: clinical testing. Allele origin: germline. Observed: 1 variant allele.
Comment: BS2, BP1

Athena Diagnostics
Classification: Uncertain significance. Last evaluated: 2020-03-09. Review status: criteria provided, single submitter. Criteria: Athena Diagnostics Criteria. Collection method: clinical testing. Allele origin: unknown.

Illumina Laboratory Services, Illumina
Classification: Uncertain significance for Cerebral arteriopathy, autosomal dominant, with subcortical infarcts and leukoencephalopathy, type 1. Last evaluated: 2018-01-13. Review status: criteria provided, single submitter. Criteria: ICSL Variant Classification Criteria 13 December 2019. Collection method: clinical testing. Allele origin: germline.